The following is an entry in ClinVar:

NM_015215.4(CAMTA1):c.234+5A>T

Gene: CAMTA1 (calmodulin binding transcription activator 1; plus strand). Cytogenetic location: 1p36.31.
Variant type: single nucleotide variant.
Coding change: c.234+5A>T on transcript NM_015215.4 (MANE Select); 5 bases into the intron after coding-DNA position 234, A replaced by T.
Molecular consequence: intron variant.
Genome position (GRCh38, 1-based): chr1:6,825,215, A>T. VCF-style: chr1-6825215-A-T. GRCh37 (hg19) VCF-style: chr1-6885275-A-T.
Other names: c.144+5A>T (NM_001349612.2, NM_001349608.2); c.234+5A>T (NM_001242701.2, NM_001195563.2, NM_001349609.2 and 1 more transcripts); c.270+5A>T (NM_001349627.2).
Identifiers: ClinVar variation 721462 (VCV000721462.22), dbSNP rs547105933, ClinGen allele CA566070.

ClinVar aggregate classification (germline): Benign/Likely benign. Review status: criteria provided, multiple submitters, no conflicts (2 of 4 stars). 3 submissions from 3 submitters: Benign (1); Likely benign (1). 1 of the submissions does not count toward it. Last evaluated 2026-01-08.

Conditions:
CAMTA1-related disorder. Also called: CAMTA1-related condition.

Allele frequency attached by ClinVar (database versions not stated): TOPMed 0.00003; gnomAD 0.00015 and 0.00001; gnomAD exomes 0.00039 and 0.00084; 1000 Genomes Project 30x 0.00078; 1000 Genomes Project 0.00100; ExAC 0.00112.
gnomAD v4.1: 572 of 1,529,674 alleles (0.037%); highest among the groups gnomAD compares: South Asian, 0.64%; 7 homozygotes.

Submissions (3):

Labcorp Genetics (formerly Invitae), Labcorp
Classification: Benign. Last evaluated: 2026-01-08. Review status: criteria provided, single submitter. Criteria: Invitae Variant Classification Sherloc (09022015). Collection method: clinical testing. Allele origin: germline.

CeGaT Center for Human Genetics Tuebingen
Classification: Likely benign. Last evaluated: 2024-11-01. Review status: criteria provided, single submitter. Criteria: CeGaT Center For Human Genetics Tuebingen Variant Classification Criteria Version 2. Collection method: clinical testing. Allele origin: germline. Affected: yes. Observed: 1 variant allele.
Comment: CAMTA1: BS1

PreventionGenetics, part of Exact Sciences
Classification: Benign for CAMTA1-related condition. Last evaluated: 2019-05-10. Review status: no assertion criteria provided. Collection method: clinical testing. Allele origin: germline. Not counted in ClinVar's aggregate classification.
Comment: This variant is classified as benign based on ACMG/AMP sequence variant interpretation guidelines (Richards et al. 2015 PMID: 25741868, with internal and published modifications).